The following is an entry in ClinVar:

NM_020638.3(FGF23):c.-53C>G

Gene: FGF23 (fibroblast growth factor 23; minus strand). Cytogenetic location: 12p13.32.
Variant type: single nucleotide variant.
Coding change: c.-53C>G on transcript NM_020638.3 (MANE Select); 53 bases upstream of the start codon, C replaced by G.
Molecular consequence: 5 prime UTR variant.
Genome position (GRCh38, 1-based): chr12:4,379,635, G>C on the plus strand (C>G on the coding strand, the complement: FGF23 is on the minus strand). VCF-style: chr12-4379635-G-C. GRCh37 (hg19) VCF-style: chr12-4488801-G-C.
Identifiers: ClinVar variation 882414 (VCV000882414.5), dbSNP rs187035769, ClinGen allele CA231763466.

ClinVar aggregate classification (germline): Benign/Likely benign. Review status: criteria provided, multiple submitters, no conflicts (2 of 4 stars). 3 submissions from 2 submitters: Benign (1); Likely benign (2). Last evaluated 2018-01-13.

Conditions:
Autosomal dominant hypophosphatemic rickets (ADHR). Also called: HYPOPHOSPHATEMIA, AUTOSOMAL DOMINANT; VITAMIN D-RESISTANT RICKETS, AUTOSOMAL DOMINANT. Identifiers: Orphanet 89937, MedGen C0342642, MONDO:0008660, OMIM 193100.
Tumoral calcinosis, hyperphosphatemic, familial, 2. Identifiers: MedGen C4693863, MONDO:0060714, OMIM 617993.

Allele frequency attached by ClinVar (database versions not stated): TOPMed 0.00014; 1000 Genomes Project 0.00060; 1000 Genomes Project 30x 0.00062.
gnomAD v4.1: 202 of 1,463,976 alleles (0.014%); highest among the groups gnomAD compares: Middle Eastern, 0.26%; 1 homozygote.

Submissions (3):

Illumina Laboratory Services, Illumina
Classification: Likely benign for Tumoral calcinosis, hyperphosphatemic, familial, 2. Last evaluated: 2018-01-13. Review status: criteria provided, single submitter. Criteria: ICSL Variant Classification Criteria 13 December 2019. Collection method: clinical testing. Allele origin: germline.
Comment: This variant was observed in the ICSL laboratory as part of a predisposition screen in an ostensibly healthy population. It had not been previously curated by ICSL or reported in the Human Gene Mutation Database (HGMD: prior to June 1st, 2018), and was therefore a candidate for classification through an automated scoring system. Utilizing variant allele frequency, disease prevalence and penetrance estimates, and inheritance mode, an automated score was calculated to assess if this variant is too frequent to cause the disease. Based on the score and internal cut-off values, a variant classified as likely benign is not then subjected to further curation. The score for this variant resulted in a classification of likely benign for this disease.

Illumina Laboratory Services, Illumina
Classification: Benign for Autosomal dominant hypophosphatemic rickets. Last evaluated: 2018-01-13. Review status: criteria provided, single submitter. Criteria: ICSL Variant Classification Criteria 13 December 2019. Collection method: clinical testing. Allele origin: germline.
Comment: This variant was observed in the ICSL laboratory as part of a predisposition screen in an ostensibly healthy population. It had not been previously curated by ICSL or reported in the Human Gene Mutation Database (HGMD: prior to June 1st, 2018), and was therefore a candidate for classification through an automated scoring system. Utilizing variant allele frequency, disease prevalence and penetrance estimates, and inheritance mode, an automated score was calculated to assess if this variant is too frequent to cause the disease. Based on the score and internal cut-off values, a variant classified as benign is not then subjected to further curation. The score for this variant resulted in a classification of benign for this disease.

Breakthrough Genomics
Classification: Likely benign. Review status: criteria provided, single submitter. Criteria: ACMG Guidelines, 2015. Collection method: not provided. Allele origin: germline. Inheritance: Autosomal recessive inheritance. Affected: yes.